The following is an entry in ClinVar:

NM_007327.4(GRIN1):c.2442C>G (p.Ala814=)

Gene: GRIN1 (glutamate ionotropic receptor NMDA type subunit 1; plus strand). Cytogenetic location: 9q34.3.
Variant type: single nucleotide variant.
Coding change: c.2442C>G on transcript NM_007327.4 (MANE Select); coding-DNA position 2442, C replaced by G.
Protein change: p.Ala814=; no amino-acid change (alanine 814 retained).
Molecular consequence: synonymous variant.
Genome position (GRCh38, 1-based): chr9:137,163,667, C>G. VCF-style: chr9-137163667-C-G. GRCh37 (hg19) VCF-style: chr9-140058119-C-G.
Other names: c.2442C>G, p.Ala814= (NM_000832.7, NM_021569.4); c.2505C>G, p.Ala835= (NM_001185090.2, NM_001185091.2).
Identifiers: ClinVar variation 1315431 (VCV001315431.2), dbSNP rs773708731, ClinGen allele CA5361136.

ClinVar aggregate classification (germline): Uncertain significance (1 of 4 stars; one submission).

gnomAD v4.1: 2 of 1,612,572 alleles (0.00012%); highest among the groups gnomAD compares: South Asian, 0.0022%; no homozygotes.

Submission:

GeneDx
Classification: Uncertain significance. Last evaluated: 2020-02-17. Review status: criteria provided, single submitter. Criteria: GeneDx Variant Classification Process June 2021. Collection method: clinical testing. Allele origin: germline. Affected: yes.
Comment: Has not been previously published as pathogenic or benign to our knowledge; In-silico analysis, which includes splice predictors and evolutionary conservation, is inconclusive as to whether the variant alters gene splicing. In the absence of RNA/functional studies, the actual effect of this sequence change is unknown.